The following is an entry in ClinVar:

ClinVar aggregate classification (germline): Uncertain significance (1 of 4 stars; one submission).

Submission:

Labcorp Genetics (formerly Invitae), Labcorp
Classification: Uncertain significance. Last evaluated: 2024-09-23. Review status: criteria provided, single submitter. Criteria: Invitae Variant Classification Sherloc (09022015). Collection method: clinical testing. Allele origin: germline.
Comment: This variant, c.275_277del, results in the deletion of 1 amino acid(s) of the A2ML1 protein (p.Glu92del), but otherwise preserves the integrity of the reading frame. This variant is present in population databases (rs760688846, gnomAD 0.003%). This variant has not been reported in the literature in individuals affected with A2ML1-related conditions. Experimental studies and prediction algorithms are not available or were not evaluated, and the functional significance of this variant is currently unknown. In summary, the available evidence is currently insufficient to determine the role of this variant in disease. Therefore, it has been classified as a Variant of Uncertain Significance.

NM_144670.6(A2ML1):c.272AAG[1] (p.Glu92del)

Genes: A2ML1 (alpha-2-macroglobulin like 1; plus strand), A2ML1-AS1 (A2ML1 antisense RNA 1; minus strand). Cytogenetic location: 12p13.31.
Variant type: Microsatellite.
Coding change: c.272AAG[1] on transcript NM_144670.6 (MANE Select); one copy of the 3-base unit AAG starting at c.272; the reference has two copies in a row; one copy, 3 bases deleted.
Protein change: p.Glu92del; deletes glutamic acid 92.
Molecular consequence: inframe deletion.
Genome position (GRCh38, 1-based): chr12:8,823,748-8,823,750, AAG deleted; deleting any 3 consecutive bases within chr12:8,823,743-8,823,750 gives the same sequence; the position shown is the placement nearest the transcript's 3' end. VCF-style (leftmost placement, unchanged base first): chr12-8823742-CAGA-C. GRCh37 (hg19) VCF-style: chr12-8976338-CAGA-C.
Other names: short protein forms E92del.
Identifiers: ClinVar variation 2166052 (VCV002166052.4), dbSNP rs760688846, ClinGen allele CA6435224.
Genomic context (GRCh38, chr12:8,823,742, plus strand): 5'-TCCCTTACCCCTCCCCAGAAGTCCCCTTTCTTGGTCAGGTACCACCTCCTGCTGGTGGCA[CAGA>C]AGAAGTGGCCACAATCCGGGTGTCGGGAGTTGGAAATAACATCAGCTTTGAGGAGAAGAA-3'